The following is an entry in ClinVar:

NM_006662.3(SRCAP):c.9146A>G (p.Glu3049Gly)

Gene: SRCAP (Snf2 related CREBBP activator protein; plus strand). Cytogenetic location: 16p11.2.
Variant type: single nucleotide variant.
Coding change: c.9146A>G on transcript NM_006662.3 (MANE Select); coding-DNA position 9146, A replaced by G.
Protein change: p.Glu3049Gly; replaces glutamic acid 3049 with glycine.
Molecular consequence: missense variant.
Genome position (GRCh38, 1-based): chr16:30,739,186, A>G. VCF-style: chr16-30739186-A-G. GRCh37 (hg19) VCF-style: chr16-30750507-A-G.
Other names: short protein forms E3049G.
Identifiers: ClinVar variation 2578763 (VCV002578763.25), dbSNP rs2543430629, ClinGen allele CA395643215.

ClinVar aggregate classification (germline): Uncertain significance (1 of 4 stars; one submission).

Submission:

CeGaT Center for Human Genetics Tuebingen
Classification: Uncertain significance. Last evaluated: 2023-07-01. Review status: criteria provided, single submitter. Criteria: CeGaT Center For Human Genetics Tuebingen Variant Classification Criteria Version 2. Collection method: clinical testing. Allele origin: germline. Affected: yes. Observed: 1 variant allele.
Comment: SRCAP: PM2